The following is an entry in ClinVar:

ClinVar aggregate classification (germline): Uncertain significance (1 of 4 stars; one submission).

gnomAD v4.1: 3 of 1,613,842 alleles (0.00019%); highest among the groups gnomAD compares: East Asian, 0.0022%; no homozygotes.

Submission:

Labcorp Genetics (formerly Invitae), Labcorp
Classification: Uncertain significance. Last evaluated: 2024-03-02. Review status: criteria provided, single submitter. Criteria: Invitae Variant Classification Sherloc (09022015). Collection method: clinical testing. Allele origin: germline.
Comment: This sequence change replaces serine, which is neutral and polar, with asparagine, which is neutral and polar, at codon 537 of the ROBO1 protein (p.Ser537Asn). This variant is present in population databases (rs758339834, gnomAD 0.006%). This variant has not been reported in the literature in individuals affected with ROBO1-related conditions. Advanced modeling of protein sequence and biophysical properties (such as structural, functional, and spatial information, amino acid conservation, physicochemical variation, residue mobility, and thermodynamic stability) performed at Invitae indicates that this missense variant is not expected to disrupt ROBO1 protein function with a negative predictive value of 95%. In summary, the available evidence is currently insufficient to determine the role of this variant in disease. Therefore, it has been classified as a Variant of Uncertain Significance.

NM_002941.4(ROBO1):c.1610G>A (p.Ser537Asn)

Gene: ROBO1 (roundabout guidance receptor 1; minus strand). Cytogenetic location: 3p12.3.
Variant type: single nucleotide variant.
Coding change: c.1610G>A on transcript NM_002941.4 (MANE Select); coding-DNA position 1610, G replaced by A.
Protein change: p.Ser537Asn; replaces serine 537 with asparagine.
Molecular consequence: missense variant.
Genome position (GRCh38, 1-based): chr3:78,668,504, C>T on the plus strand (G>A on the coding strand, the complement: ROBO1 is on the minus strand). VCF-style: chr3-78668504-C-T. GRCh37 (hg19) VCF-style: chr3-78717654-C-T.
Other names: c.1502G>A, p.Ser501Asn (NM_001145845.2, NM_133631.4); short protein forms S501N, S537N.
Identifiers: ClinVar variation 3677604 (VCV003677604.2).